The following is an entry in ClinVar:

ClinVar aggregate classification (germline): Uncertain significance. Review status: criteria provided, multiple submitters, no conflicts (2 of 4 stars). 2 submissions from 2 submitters: Uncertain significance (2). Last evaluated 2026-07-21.

Conditions:
Arrhythmogenic right ventricular cardiomyopathy (ARVD). Also called: Cardiomyopathy, ARVC; Arrhythmogenic right ventricular dysplasia; Arrhythmogenic cardiomyopathy; Arrhythmogenic Right Ventricular Cardiomyopathy (ARVC). Identifiers: Orphanet 247, MedGen C0349788, MeSH D019571, MONDO:0016587. Disease mechanism: loss of function. Inheritance: Various modes of inheritance.
Cardiovascular phenotype. Identifiers: MedGen CN230736.

Allele frequency attached by ClinVar (database versions not stated): gnomAD exomes below 0.00001.
gnomAD v4.1: 1 of 1,614,184 alleles (0.000062%); highest among the groups gnomAD compares: Non-Finnish European, 0.000085%; no homozygotes.

Submissions (2):

Ambry Genetics
Classification: Uncertain significance for Cardiovascular phenotype. Last evaluated: 2026-07-21. Review status: criteria provided, single submitter. Criteria: Ambry Variant Classification Scheme 2023. Collection method: clinical testing. Allele origin: germline.
Comment: The p.I568L variant (also known as c.1702A>C), located in coding exon 12 of the DSG2 gene, results from an A to C substitution at nucleotide position 1702. The isoleucine at codon 568 is replaced by leucine, an amino acid with highly similar properties. This amino acid position is conserved. In addition, this alteration is predicted to be tolerated by in silico analysis. Based on the available evidence, the clinical significance of this variant remains unclear.

All of Us Research Program, National Institutes of Health
Classification: Uncertain significance for Arrhythmogenic right ventricular cardiomyopathy. Last evaluated: 2023-11-20. Review status: criteria provided, single submitter. Criteria: ACMG Guidelines, 2015. Collection method: clinical testing. Allele origin: germline. Inheritance: Autosomal dominant inheritance. Observed: 2 variant alleles, 2 heterozygotes.
Comment: This missense variant replaces isoleucine with leucine at codon 568 of the DSG2 protein. Computational prediction suggests that this variant may not impact protein structure and function (internally defined REVEL score threshold <= 0.5, PMID: 27666373). To our knowledge, functional studies have not been reported for this variant. This variant has not been reported in individuals affected with DSG2-related disorders in the literature. This variant has not been identified in the general population by the Genome Aggregation Database (gnomAD). The available evidence is insufficient to determine the role of this variant in disease conclusively. Therefore, this variant is classified as a Variant of Uncertain Significance.

This study involves interpretation of variants in research participants for the purpose of population health screening. Participant phenotype was not available at the time of variant classification. Additional details can be found in publication PMID: 35346344, PMCID: PMC8962531

NM_001943.5(DSG2):c.1702A>C (p.Ile568Leu)

Gene: DSG2 (desmoglein 2; plus strand). Cytogenetic location: 18q12.1.
Variant type: single nucleotide variant.
Coding change: c.1702A>C on transcript NM_001943.5 (MANE Select); coding-DNA position 1702, A replaced by C.
Protein change: p.Ile568Leu; replaces isoleucine 568 with leucine.
Molecular consequence: missense variant.
Genome position (GRCh38, 1-based): chr18:31,538,801, A>C. VCF-style: chr18-31538801-A-C. GRCh37 (hg19) VCF-style: chr18-29118764-A-C.
Other names: short protein forms I568L.
Identifiers: ClinVar variation 3074320 (VCV003074320.2), dbSNP rs2510918917, ClinGen allele CA402137101.
Genomic context (GRCh38, chr18:31,538,801, plus strand): 5'-AACCTTGTAGGTACCAGTGTGCTGCTGCAACAAAGTGAGAAAAAGCTTGGGAGAAGTGAA[A>C]TTCAGTTCCTGATTTCAGACAATCAGGGTTTTAGTTGTCCTGAAAAGCAGGTCCTTACAC-3'
Protein context (NP_001934.2, residues 558-578): QSEKKLGRSE[Ile568Leu]QFLISDNQGF